The following is an entry in ClinVar:

ClinVar aggregate classification (germline): Uncertain significance (1 of 4 stars; one submission).

Allele frequency attached by ClinVar (database versions not stated): gnomAD exomes below 0.00001; ExAC 0.00001; TOPMed 0.00001.

Submission:

Ambry Genetics
Classification: Uncertain significance. Last evaluated: 2024-03-20. Review status: criteria provided, single submitter. Criteria: Ambry Variant Classification Scheme 2023. Collection method: clinical testing. Allele origin: germline.
Comment: The p.T451I variant (also known as c.1352C>T), located in coding exon 12 of the RAD54L gene, results from a C to T substitution at nucleotide position 1352. The threonine at codon 451 is replaced by isoleucine, an amino acid with similar properties. This amino acid position is conserved. In addition, this alteration is predicted to be deleterious by in silico analysis. Since supporting evidence is limited at this time, the clinical significance of this alteration remains unclear.

NM_003579.4(RAD54L):c.1352C>T (p.Thr451Ile)

Gene: RAD54L (RAD54 like; plus strand). Cytogenetic location: 1p34.1.
Variant type: single nucleotide variant.
Coding change: c.1352C>T on transcript NM_003579.4 (MANE Select); coding-DNA position 1352, C replaced by T.
Protein change: p.Thr451Ile; replaces threonine 451 with isoleucine.
Molecular consequence: missense variant.
Genome position (GRCh38, 1-based): chr1:46,272,779, C>T. VCF-style: chr1-46272779-C-T. GRCh37 (hg19) VCF-style: chr1-46738451-C-T.
Other names: c.1352C>T, p.Thr451Ile (NM_001142548.2); c.812C>T, p.Thr271Ile (NM_001370766.1); short protein forms T271I, T451I.
Identifiers: ClinVar variation 1770627 (VCV001770627.2), dbSNP rs745831291, ClinGen allele CA834573.